The following is an entry in ClinVar:

NM_025215.6(PUS1):c.818T>C (p.Val273Ala)

Gene: PUS1 (pseudouridine synthase 1; plus strand). Cytogenetic location: 12q24.33.
Variant type: single nucleotide variant.
Coding change: c.818T>C on transcript NM_025215.6 (MANE Select); coding-DNA position 818, T replaced by C.
Protein change: p.Val273Ala; replaces valine 273 with alanine.
Molecular consequence: missense variant.
Genome position (GRCh38, 1-based): chr12:131,941,565, T>C. VCF-style: chr12-131941565-T-C. GRCh37 (hg19) VCF-style: chr12-132426110-T-C.
Other names: p.V273A:GTG>GCG; c.734T>C, p.Val245Ala (NM_001002019.3, NM_001002020.3); short protein forms V245A, V273A.
Identifiers: ClinVar variation 215036 (VCV000215036.2), dbSNP rs863224173, ClinGen allele CA320953.

ClinVar aggregate classification (germline): Uncertain significance (1 of 4 stars; one submission).

Allele frequency attached by ClinVar (database versions not stated): gnomAD exomes below 0.00001.
gnomAD v4.1: 3 of 1,614,150 alleles (0.00019%); highest among the groups gnomAD compares: South Asian, 0.0033%; no homozygotes.

Submission:

GeneDx
Classification: Uncertain significance. Last evaluated: 2025-02-06. Review status: criteria provided, single submitter. Criteria: GeneDx Variant Classification Process June 2021. Collection method: clinical testing. Allele origin: germline. Affected: yes.
Comment: Not observed at significant frequency in large population cohorts (gnomAD); In silico analysis supports that this missense variant has a deleterious effect on protein structure/function; Has not been previously published as pathogenic or benign to our knowledge